The following is an entry in ClinVar:

ClinVar aggregate classification (germline): Uncertain significance (1 of 4 stars; one submission).

Conditions:
Deficiency of steroid 17-alpha-monooxygenase. Also called: 17-alpha-hydroxylase/17,20-lyase deficiency; ADRENAL HYPERPLASIA V; Congenital adrenal hyperplasia due to 17-alpha-hydroxylase deficiency; Congenital adrenal hyperplasia type 5; 17-ALPHA-HYDROXYLASE DEFICIENCY. Identifiers: Orphanet 90793, MedGen C0268285, MONDO:0008730, OMIM 202110.

gnomAD v4.1: 3 of 1,594,394 alleles (0.00019%); highest among the groups gnomAD compares: Non-Finnish European, 0.00026%; no homozygotes.

Submission:

3billion
Classification: Uncertain significance for Deficiency of steroid 17-alpha-monooxygenase. Last evaluated: 2025-12-23. Review status: criteria provided, single submitter. Criteria: ACMG Guidelines, 2015. Collection method: clinical testing. Allele origin: germline. Affected: yes.
Comment: The variant is observed at an extremely low frequency in the gnomAD v4.1.0 dataset (total allele frequency: <0.001%). Predicted Consequence/Location: Missense variant In silico tool predictions suggest damaging effect of the variant on gene or gene product [REVEL: 0.71 (>=0.6, sensitivity 0.68 and specificity 0.92); 3Cnet: 0.94 (> 0.75, sensitivity 0.96 and precision 0.92)]. Different missense changes at the same codon (p.Gly478Cys, p.Gly478Ser) have been reported to be associated with CYP17A1-related disorder (PMID: 32215889, 35178494). However the evidence of pathogenicity is insufficient at this time. Therefore, this variant is classified as VUS according to the recommendation of ACMG/AMP guideline.

Literature cited by the submitters: PubMed 32215889.

NM_000102.4(CYP17A1):c.1433G>T (p.Gly478Val)

Gene: CYP17A1 (cytochrome P450 family 17 subfamily A member 1; minus strand). Cytogenetic location: 10q24.32.
Variant type: single nucleotide variant.
Coding change: c.1433G>T on transcript NM_000102.4 (MANE Select); coding-DNA position 1433, G replaced by T.
Protein change: p.Gly478Val; replaces glycine 478 with valine.
Molecular consequence: missense variant.
Genome position (GRCh38, 1-based): chr10:102,830,796, C>A on the plus strand (G>T on the coding strand, the complement: CYP17A1 is on the minus strand). VCF-style: chr10-102830796-C-A. GRCh37 (hg19) VCF-style: chr10-104590553-C-A.
Other names: short protein forms G478V.
Identifiers: ClinVar variation 4854704 (VCV004854704.1).